The following is an entry in ClinVar:

NM_000088.4(COL1A1):c.1037del (p.Pro346fs)

Gene: COL1A1 (collagen type I alpha 1 chain; minus strand). Cytogenetic location: 17q21.33.
Variant type: Deletion.
Coding change: c.1037del on transcript NM_000088.4 (MANE Select); coding-DNA position 1037, one base deleted (C; older notation c.1037delC).
Protein change: p.Pro346fs; shifts the reading frame from proline 346.
Molecular consequence: frameshift variant.
Genome position (GRCh38, 1-based): chr17:50,195,942, G deleted on the plus strand (C on the coding strand, the reverse complement: COL1A1 is on the minus strand); the first of 3 consecutive G bases (chr17:50,195,942-50,195,944); deleting any one gives the same sequence. VCF-style (leftmost placement, unchanged base first): chr17-50195941-AG-A. GRCh37 (hg19) VCF-style: chr17-48273302-AG-A.
Other names: short protein forms P346fs.
Identifiers: ClinVar variation 804563 (VCV000804563.2), dbSNP rs1598297682, ClinGen allele CA915950616.

ClinVar aggregate classification (germline): Likely pathogenic. Review status: criteria provided, multiple submitters, no conflicts (2 of 4 stars). 2 submissions from 2 submitters: Likely pathogenic (2). Last evaluated 2023-10-02.

Submissions (2):

Revvity Omics, Revvity
Classification: Likely pathogenic. Last evaluated: 2023-10-02. Review status: criteria provided, single submitter. Criteria: ACMG Guidelines, 2015. Collection method: clinical testing. Allele origin: germline.

Athena Diagnostics
Classification: Likely pathogenic. Last evaluated: 2019-06-19. Review status: criteria provided, single submitter. Criteria: Athena Diagnostics Criteria. Collection method: clinical testing. Allele origin: germline.
Comment: The variant results in a shift of the reading frame, and is therefore predicted to result in the loss of a functional protein. Not found in the total gnomAD dataset, and the data is high quality (0/243984 chr).